The following is an entry in ClinVar:

NM_004304.5(ALK):c.3614A>G (p.Lys1205Arg)

Gene: ALK (ALK receptor tyrosine kinase; minus strand). Cytogenetic location: 2p23.2.
Variant type: single nucleotide variant.
Coding change: c.3614A>G on transcript NM_004304.5 (MANE Select); coding-DNA position 3614, A replaced by G.
Protein change: p.Lys1205Arg; replaces lysine 1205 with arginine.
Molecular consequence: missense variant.
Genome position (GRCh38, 1-based): chr2:29,220,737, T>C on the plus strand (A>G on the coding strand, the complement: ALK is on the minus strand). VCF-style: chr2-29220737-T-C. GRCh37 (hg19) VCF-style: chr2-29443603-T-C.
Other names: c.410A>G, p.Lys137Arg (NM_001353765.2); short protein forms K1205R, K137R.
Identifiers: ClinVar variation 2011294 (VCV002011294.4), dbSNP rs2148166394, ClinGen allele CA346473006.

ClinVar aggregate classification (germline): Uncertain significance (1 of 4 stars; one submission).

Conditions:
Neuroblastoma, susceptibility to, 3. Also called: ALK-Related Neuroblastic Tumor Susceptibility. Identifiers: Orphanet 635, MedGen C2751681, MONDO:0013083, OMIM 613014.

Submission:

Labcorp Genetics (formerly Invitae), Labcorp
Classification: Uncertain significance for Neuroblastoma, susceptibility to, 3. Last evaluated: 2022-10-17. Review status: criteria provided, single submitter. Criteria: Invitae Variant Classification Sherloc (09022015). Collection method: clinical testing. Allele origin: germline.
Comment: In summary, the available evidence is currently insufficient to determine the role of this variant in disease. Therefore, it has been classified as a Variant of Uncertain Significance. Algorithms developed to predict the effect of missense changes on protein structure and function are either unavailable or do not agree on the potential impact of this missense change (SIFT: "Deleterious"; PolyPhen-2: "Probably Damaging"; Align-GVGD: "Class C0"). This variant has not been reported in the literature in individuals affected with ALK-related conditions. This variant is not present in population databases (gnomAD no frequency). This sequence change replaces lysine, which is basic and polar, with arginine, which is basic and polar, at codon 1205 of the ALK protein (p.Lys1205Arg).